The following is an entry in ClinVar:

NM_001190274.2(FBXO11):c.1340G>C (p.Arg447Thr)

Gene: FBXO11 (F-box protein 11; minus strand). Cytogenetic location: 2p16.3.
Variant type: single nucleotide variant.
Coding change: c.1340G>C on transcript NM_001190274.2 (MANE Select); coding-DNA position 1340, G replaced by C.
Protein change: p.Arg447Thr; replaces arginine 447 with threonine.
Molecular consequence: missense variant.
Genome position (GRCh38, 1-based): chr2:47,832,407, C>G on the plus strand (G>C on the coding strand, the complement: FBXO11 is on the minus strand). VCF-style: chr2-47832407-C-G. GRCh37 (hg19) VCF-style: chr2-48059546-C-G.
Other names: c.1088G>C, p.Arg363Thr (NM_001374325.1, NM_025133.4); short protein forms R363T, R447T.
Identifiers: ClinVar variation 1098365 (VCV001098365.2), dbSNP rs2104807871, ClinGen allele CA346765293.

ClinVar aggregate classification (germline): Likely pathogenic (1 of 4 stars; one submission).

Submission:

Genetics Laboratory, UDIAT-Centre Diagnòstic, Hospital Universitari Parc Tauli
Classification: Likely pathogenic. Last evaluated: 2021-04-26. Review status: criteria provided, single submitter. Criteria: Parc Tauli Hospital Assertion Criteria 2021. Collection method: clinical testing. Allele origin: de novo. Inheritance: Autosomal dominant inheritance. Affected: yes. Observed: 1 heterozygote.
Comment: PM2_supporting;PM6_moderate;PP2_supporting;PP3_supporting